The following is an entry in ClinVar:

ClinVar aggregate classification (germline): Uncertain significance (1 of 4 stars; one submission).

Conditions:
Cardiomyopathy (CMYO). Also called: Cardiomyopathies. Identifiers: Orphanet 167848, MedGen C0878544, MONDO:0004994, HP:0001638. Inheritance: Various modes of inheritance.

Submission:

Color Diagnostics, LLC DBA Color Health
Classification: Uncertain significance for Cardiomyopathy. Last evaluated: 2025-08-07. Review status: criteria provided, single submitter. Criteria: ACMG Guidelines, 2015. Collection method: clinical testing. Allele origin: germline.
Comment: This missense variant replaces lysine with asparagine at codon 692 of the DSG2 protein. Computational prediction suggests that this variant may not impact protein structure and function. To our knowledge, functional studies have not been reported for this variant. This variant has not been reported in individuals affected with DSG2-related disorders in the literature. This variant has not been identified in the general population by the Genome Aggregation Database (gnomAD). The available evidence is insufficient to determine the role of this variant in disease conclusively. Therefore, this variant is classified as a Variant of Uncertain Significance.

NM_001943.5(DSG2):c.2076G>C (p.Lys692Asn)

Genes: DSG2 (desmoglein 2; plus strand), DSG2-AS1 (DSG2 antisense RNA 1; minus strand). Cytogenetic location: 18q12.1.
Variant type: single nucleotide variant.
Coding change: c.2076G>C on transcript NM_001943.5 (MANE Select); coding-DNA position 2076, G replaced by C.
Protein change: p.Lys692Asn; replaces lysine 692 with asparagine.
Molecular consequence: missense variant.
Genome position (GRCh38, 1-based): chr18:31,542,594, G>C. VCF-style: chr18-31542594-G-C. GRCh37 (hg19) VCF-style: chr18-29122557-G-C.
Other names: short protein forms K692N.
Identifiers: ClinVar variation 4759137 (VCV004759137.1).
Genomic context (GRCh38, chr18:31,542,594, plus strand): 5'-TCTGCCAGTGGATCAAGGGGGCAGTCTAGTAGGAAGAAATGGAGTAGGAGGTATGGCCAA[G>C]GAAGCCACGATGAAAGGAAGTAGCTCTGCTTCCATTGTCAAAGGGCAACATGAGATGTCC-3'
Protein context (NP_001934.2, residues 682-702): VGRNGVGGMA[Lys692Asn]EATMKGSSSA